The following is an entry in ClinVar:

NM_000069.3(CACNA1S):c.2594G>A (p.Arg865His)

Gene: CACNA1S (calcium voltage-gated channel subunit alpha1 S; minus strand). Cytogenetic location: 1q32.1.
Variant type: single nucleotide variant.
Coding change: c.2594G>A on transcript NM_000069.3 (MANE Select); coding-DNA position 2594, G replaced by A.
Protein change: p.Arg865His; replaces arginine 865 with histidine.
Molecular consequence: missense variant.
Genome position (GRCh38, 1-based): chr1:201,066,950, C>T on the plus strand (G>A on the coding strand, the complement: CACNA1S is on the minus strand). VCF-style: chr1-201066950-C-T. GRCh37 (hg19) VCF-style: chr1-201036078-C-T.
Other names: short protein forms R865H.
Identifiers: ClinVar variation 294742 (VCV000294742.45), dbSNP rs545411173, ClinGen allele CA079124.
Genomic context (GRCh38, chr1:201,066,950, plus strand): 5'-AGTCCCATGGAGATGAGGGACACGGCCACCACCAGCAGGTCCAGCATGTTGAAGTAATTG[C>T]GGCAGAAGGAACCCTTGTGCAGGAAGGCTCCGTAGGTCGTCATCTGGGGAGAAAGAGGCA-3'
Protein context (NP_000060.2, residues 855-875): GAFLHKGSFC[Arg865His]NYFNMLDLLV

ClinVar aggregate classification (germline): Conflicting classifications of pathogenicity. Review status: criteria provided, conflicting classifications (1 of 4 stars). 5 submissions from 5 submitters: Uncertain significance (3); Benign (1); Likely benign (1). Last evaluated 2025-11-20.

Conditions:
Hypokalemic periodic paralysis, type 1. Also called: HypoPP; Hypokalemic Periodic Paralysis Type 1 (AD). Identifiers: Orphanet 681, MedGen C3714580, MONDO:0042979, OMIM 170400.
Malignant hyperthermia, susceptibility to, 5 (MHS5). Also called: CACNA1S-Related Malignant Hyperthermia Susceptibility. Identifiers: Orphanet 423, MedGen C1866077, MONDO:0011163, OMIM 601887.

Allele frequency attached by ClinVar (database versions not stated): TOPMed 0.00001; gnomAD 0.00002 and 0.00003; gnomAD exomes 0.00014; ExAC 0.00016; 1000 Genomes Project 0.00020; 1000 Genomes Project 30x 0.00031.
gnomAD v4.1: 68 of 1,614,144 alleles (0.0042%); highest among the groups gnomAD compares: Admixed American, 0.042%; no homozygotes.

Submissions (5):

Labcorp Genetics (formerly Invitae), Labcorp
Classification: Likely benign for Hypokalemic periodic paralysis, type 1; Malignant hyperthermia, susceptibility to, 5. Last evaluated: 2025-11-20. Review status: criteria provided, single submitter. Criteria: Invitae Variant Classification Sherloc (09022015). Collection method: clinical testing. Allele origin: germline.

Color Diagnostics, LLC DBA Color Health
Classification: Uncertain significance for Malignant hyperthermia, susceptibility to, 5. Last evaluated: 2024-07-31. Review status: criteria provided, single submitter. Criteria: ACMG Guidelines, 2015. Collection method: clinical testing. Allele origin: germline.
Comment: This missense variant replaces arginine with histidine at codon 865 of the CACNA1S protein. Computational prediction suggests that this variant may have deleterious impact on protein structure and function. To our knowledge, functional studies have not been reported for this variant. This variant has not been reported in individuals affected with CACNA1S-related disorders in the literature. This variant has been identified in 36/282778 chromosomes in the general population by the Genome Aggregation Database (gnomAD). The available evidence is insufficient to determine the role of this variant in disease conclusively. Therefore, this variant is classified as a Variant of Uncertain Significance.

GeneDx
Classification: Uncertain significance. Last evaluated: 2023-06-08. Review status: criteria provided, single submitter. Criteria: GeneDx Variant Classification Process June 2021. Collection method: clinical testing. Allele origin: germline. Affected: yes.
Comment: In silico analysis supports that this missense variant has a deleterious effect on protein structure/function; Has not been previously published as pathogenic or benign to our knowledge

CeGaT Center for Human Genetics Tuebingen
Classification: Uncertain significance. Last evaluated: 2023-01-01. Review status: criteria provided, single submitter. Criteria: CeGaT Center For Human Genetics Tuebingen Variant Classification Criteria Version 2. Collection method: clinical testing. Allele origin: germline. Affected: yes. Observed: 1 variant allele.
Comment: CACNA1S: PP3

Illumina Laboratory Services, Illumina
Classification: Benign for Hypokalemic periodic paralysis, type 1. Last evaluated: 2018-01-12. Review status: criteria provided, single submitter. Criteria: ICSL Variant Classification Criteria 13 December 2019. Collection method: clinical testing. Allele origin: germline.
Comment: This variant was observed in the ICSL laboratory as part of a predisposition screen in an ostensibly healthy population. It had not been previously curated by ICSL or reported in the Human Gene Mutation Database (HGMD: prior to June 1st, 2018), and was therefore a candidate for classification through an automated scoring system. Utilizing variant allele frequency, disease prevalence and penetrance estimates, and inheritance mode, an automated score was calculated to assess if this variant is too frequent to cause the disease. Based on the score and internal cut-off values, a variant classified as benign is not then subjected to further curation. The score for this variant resulted in a classification of benign for this disease.